The following is an entry in ClinVar:

NM_021224.6(ZNF462):c.1918C>T (p.Pro640Ser)

Gene: ZNF462 (zinc finger protein 462; plus strand). Cytogenetic location: 9q31.2.
Variant type: single nucleotide variant.
Coding change: c.1918C>T on transcript NM_021224.6 (MANE Select); coding-DNA position 1918, C replaced by T.
Protein change: p.Pro640Ser; replaces proline 640 with serine.
Molecular consequence: missense variant.
Genome position (GRCh38, 1-based): chr9:106,925,830, C>T. VCF-style: chr9-106925830-C-T. GRCh37 (hg19) VCF-style: chr9-109688111-C-T.
Other names: c.1918C>T, p.Pro640Ser (NM_001347997.2); short protein forms P640S.
Identifiers: ClinVar variation 1465280 (VCV001465280.6), dbSNP rs2131463464, ClinGen allele CA374386505.

ClinVar aggregate classification (germline): Uncertain significance (1 of 4 stars; one submission).

Submission:

Labcorp Genetics (formerly Invitae), Labcorp
Classification: Uncertain significance. Last evaluated: 2024-03-27. Review status: criteria provided, single submitter. Criteria: Invitae Variant Classification Sherloc (09022015). Collection method: clinical testing. Allele origin: germline.
Comment: This sequence change replaces proline, which is neutral and non-polar, with serine, which is neutral and polar, at codon 640 of the ZNF462 protein (p.Pro640Ser). This variant is not present in population databases (gnomAD no frequency). This variant has not been reported in the literature in individuals affected with ZNF462-related conditions. ClinVar contains an entry for this variant (Variation ID: 1465280). Algorithms developed to predict the effect of missense changes on protein structure and function output the following: SIFT: "Not Available"; PolyPhen-2: "Benign"; Align-GVGD: "Not Available". The serine amino acid residue is found in multiple mammalian species, which suggests that this missense change does not adversely affect protein function. In summary, the available evidence is currently insufficient to determine the role of this variant in disease. Therefore, it has been classified as a Variant of Uncertain Significance.